The following is an entry in ClinVar:

ClinVar aggregate classification (germline): Pathogenic (1 of 4 stars; one submission).

Submission:

GeneDx
Classification: Pathogenic. Last evaluated: 2015-08-06. Review status: criteria provided, single submitter. Criteria: GeneDx Variant Classification (06012015). Collection method: clinical testing. Allele origin: germline. Affected: yes.
Comment: The C3S substitution in the GNAS gene has not been reported previously as a pathogenic variant nor as a benign polymorphism, to our knowledge. The C3S variant was not observed in approximately 6500 individuals of European and African American ancestry in the NHLBI Exome Sequencing Project, indicating it is not a common benign variant in these populations. The C3S variant is a non-conservative amino acid substitution, which is likely to impact secondary protein structure as these residues differ in polarity, charge, size and/or other properties. This substitution occurs at a position that is conserved across species. In silico analysis predicts this variant is probably damaging to the protein structure/function. A missense pathogenic variant at the same residue (C3R) has been reported in the Human Gene Mutation Database in association with pseudohypoparathyroidism (Stenson et al., 2014), supporting the functional importance of this region of the protein. We interpret C3S as a pathogenic variant.

NM_000516.7(GNAS):c.8G>C (p.Cys3Ser)

Gene: GNAS (GNAS complex locus; plus strand). Cytogenetic location: 20q13.32.
Variant type: single nucleotide variant.
Coding change: c.8G>C on transcript NM_000516.7 (MANE Select); coding-DNA position 8, G replaced by C.
Protein change: p.Cys3Ser; replaces cysteine 3 with serine.
Molecular consequence: missense variant. On other transcripts: intron variant (6).
Genome position (GRCh38, 1-based): chr20:58,891,734, G>C. VCF-style: chr20-58891734-G-C. GRCh37 (hg19) VCF-style: chr20-57466789-G-C.
Other names: c.8G>C, p.Cys3Ser (NM_001077488.5, NM_001077489.4, NM_001309842.2 and 1 more transcripts); c.*43-3878G>C (NM_016592.5); c.-38-3878G>C (NM_001309861.2); c.*1-3878G>C (NM_001077490.3); c.2069-3878G>C (NM_080425.4); c.*159-3878G>C (NM_001309883.1); c.-39+2381G>C (NM_001309840.2); short protein forms C3S.
Identifiers: ClinVar variation 419690 (VCV000419690.2), dbSNP rs1064794045, ClinGen allele CA16620943.
Genomic context (GRCh38, chr20:58,891,734, plus strand): 5'-CCGCGCCCGCCGCCGCCGCAGCCCGGCCGCGCCCCGCCGCCGCCGCCGCCGCCATGGGCT[G>C]CCTCGGGAACAGTAAGACCGAGGACCAGCGCAACGAGGAGAAGGCGCAGCGTGAGGCCAA-3'
Protein context (NP_000507.1, residues 1-13): MG[Cys3Ser]LGNSKTEDQR